The following is an entry in ClinVar:

ClinVar aggregate classification (germline): Uncertain significance. Review status: criteria provided, multiple submitters, no conflicts (2 of 4 stars). 7 submissions from 7 submitters: Uncertain significance (4). 3 of the submissions do not count toward it. Last evaluated 2025-10-10.

Conditions:
Pendred syndrome (PDS). Also called: DEAFNESS WITH GOITER; GOITER-DEAFNESS SYNDROME; HYPOTHYROIDISM, CONGENITAL, DUE TO DYSHORMONOGENESIS, 2B; Pendred's syndrome; Pendred Syndrome (PDS); THYROID DYSHORMONOGENESIS 2B. Identifiers: Orphanet 705, MedGen C0271829, MONDO:0010134, OMIM 274600.
SLC26A4-related disorder. Also called: SLC26A4-related condition; SLC26A4-related disorders.

Submissions (7):

PreventionGenetics, part of Exact Sciences
Classification: Uncertain significance for SLC26A4-related condition. Last evaluated: 2025-10-10. Review status: criteria provided, single submitter. Criteria: ACMG Guidelines, 2015. Collection method: clinical testing. Allele origin: germline.
Comment: The SLC26A4 c.2272_2273insCTT variant is predicted to result in an in-frame amino acid insertion (p.Glu757_Leu758insSer). This variant was reported together with a SLC26A4 causative variant in an individual with hearing loss (patient 41, Supplement, Florentine et al. 2022. PubMed ID: 34515852). This variant is reported in 0.15% of alleles in individuals of South Asian descent in gnomAD. At this time, the clinical significance of this variant is uncertain due to the absence of conclusive functional and genetic evidence.

GeneDx
Classification: Uncertain significance. Last evaluated: 2024-10-23. Review status: criteria provided, single submitter. Criteria: GeneDx Variant Classification Process June 2021. Collection method: clinical testing. Allele origin: germline. Affected: yes.
Comment: In-frame insertion of 1 amino acid in a non-repeat region; This variant is associated with the following publications: (PMID: 33199029, 34515852)

Blueprint Genetics
Classification: Uncertain significance. Last evaluated: 2024-06-07. Review status: criteria provided, single submitter. Criteria: ACMG Guidelines, 2015. Collection method: clinical testing. Allele origin: germline.

Labcorp Genetics (formerly Invitae), Labcorp
Classification: Uncertain significance. Last evaluated: 2021-08-28. Review status: criteria provided, single submitter. Criteria: Invitae Variant Classification Sherloc (09022015). Collection method: clinical testing. Allele origin: germline.
Comment: This variant, c.2272_2273insCTT, results in the insertion of 1 amino acid(s) to the SLC26A4 protein (p.Glu757_Leu758insSer), but otherwise preserves the integrity of the reading frame. This variant is present in population databases (rs767671344, ExAC 0.1%). This variant has not been reported in the literature in individuals affected with SLC26A4-related conditions. In summary, the available evidence is currently insufficient to determine the role of this variant in disease. Therefore, it has been classified as a Variant of Uncertain Significance.

Natera, Inc.
Classification: Uncertain significance for Pendred syndrome. Last evaluated: 2020-01-17. Review status: no assertion criteria provided. Collection method: clinical testing. Allele origin: germline. Not counted in ClinVar's aggregate classification.

Clinical Genetics DNA and cytogenetics Diagnostics Lab, Erasmus MC, Erasmus Medical Center
Classification: Uncertain significance. Review status: no assertion criteria provided. Collection method: clinical testing. Allele origin: germline. Affected: yes. Study: VKGL Data-share Consensus. Not counted in ClinVar's aggregate classification.

Diagnostic Laboratory, Department of Genetics, University Medical Center Groningen
Classification: Uncertain significance. Review status: no assertion criteria provided. Collection method: clinical testing. Allele origin: germline. Affected: yes. Study: VKGL Data-share Consensus. Not counted in ClinVar's aggregate classification.

NM_000441.2(SLC26A4):c.2272_2273insCTT (p.Glu757_Leu758insSer)

Gene: SLC26A4 (solute carrier family 26 member 4; plus strand). Cytogenetic location: 7q22.3.
Variant type: Insertion.
Coding change: c.2272_2273insCTT on transcript NM_000441.2 (MANE Select); coding-DNA positions 2272 to 2273, CTT inserted.
Protein change: p.Glu757_Leu758insSer.
Molecular consequence: inframe insertion.
Genome position: GRCh38 VCF-style: chr7-107712574-A-ATCT. GRCh37 (hg19) VCF-style: chr7-107353019-A-ATCT.
Identifiers: ClinVar variation 1174655 (VCV001174655.13), dbSNP rs767671344, ClinGen allele CA4433104.